The following is an entry in ClinVar:

ClinVar aggregate classification (germline): Pathogenic (1 of 4 stars; one submission).

Allele frequency attached by ClinVar (database versions not stated): gnomAD exomes below 0.00001; TOPMed below 0.00001.
gnomAD v4.1: 1 of 1,613,628 alleles (0.000062%); highest among the groups gnomAD compares: African/African-American, 0.0013%; no homozygotes.

Submission:

Labcorp Genetics (formerly Invitae), Labcorp
Classification: Pathogenic. Last evaluated: 2022-08-19. Review status: criteria provided, single submitter. Criteria: Invitae Variant Classification Sherloc (09022015). Collection method: clinical testing. Allele origin: germline.
Comment: For these reasons, this variant has been classified as Pathogenic. This variant is not present in population databases (gnomAD no frequency). This premature translational stop signal has been observed in individual(s) with USH2A-related conditions (PMID: 25649381, 29912909). ClinVar contains an entry for this variant (Variation ID: 1381635). This sequence change creates a premature translational stop signal (p.Trp4727*) in the USH2A gene. It is expected to result in an absent or disrupted protein product. Loss-of-function variants in USH2A are known to be pathogenic (PMID: 10729113, 10909849, 20507924, 25649381).

Literature cited by the submitters: PubMed 25649381; PubMed 29912909; PubMed 10729113; PubMed 10909849; PubMed 20507924.

NM_206933.4(USH2A):c.14181G>A (p.Trp4727Ter)

Gene: USH2A (usherin; minus strand). Cytogenetic location: 1q41.
Variant type: single nucleotide variant.
Coding change: c.14181G>A on transcript NM_206933.4 (MANE Select); coding-DNA position 14181, G replaced by A.
Protein change: p.Trp4727Ter; replaces tryptophan 4727 with a stop codon.
Molecular consequence: nonsense.
Genome position (GRCh38, 1-based): chr1:215,650,754, C>T on the plus strand (G>A on the coding strand, the complement: USH2A is on the minus strand). VCF-style: chr1-215650754-C-T. GRCh37 (hg19) VCF-style: chr1-215824096-C-T.
Other names: short protein forms W4727*.
Identifiers: ClinVar variation 1381635 (VCV001381635.6), dbSNP rs935176131, ClinGen allele CA37392587.